The following is an entry in ClinVar:

ClinVar aggregate classification (germline): Likely benign (0 of 4 stars; one submission).

Conditions:
PKHD1-related disorder. Also called: PKHD1-related condition.

Submission:

PreventionGenetics, part of Exact Sciences
Classification: Likely benign for PKHD1-related condition. Last evaluated: 2024-07-28. Review status: no assertion criteria provided. Collection method: clinical testing. Allele origin: germline.
Comment: This variant is classified as likely benign based on ACMG/AMP sequence variant interpretation guidelines (Richards et al. 2015 PMID: 25741868, with internal and published modifications).

NM_138694.4(PKHD1):c.11529C>T (p.Ser3843=)

Gene: PKHD1 (PKHD1 ciliary IPT domain containing fibrocystin/polyductin; minus strand). Cytogenetic location: 6p12.3.
Variant type: single nucleotide variant.
Coding change: c.11529C>T on transcript NM_138694.4 (MANE Select); coding-DNA position 11529, C replaced by T.
Protein change: p.Ser3843=; no amino-acid change (serine 3843 retained).
Molecular consequence: synonymous variant.
Genome position (GRCh38, 1-based): chr6:51,632,701, G>A on the plus strand (C>T on the coding strand, the complement: PKHD1 is on the minus strand). VCF-style: chr6-51632701-G-A. GRCh37 (hg19) VCF-style: chr6-51497499-G-A.
Identifiers: ClinVar variation 3347847 (VCV003347847.1).